The following is an entry in ClinVar:

ClinVar aggregate classification (germline): Conflicting classifications of pathogenicity. Review status: criteria provided, conflicting classifications (1 of 4 stars). 5 submissions from 5 submitters: Uncertain significance (1); Likely benign (3). 1 of the submissions does not count toward it. Last evaluated 2026-01-17.

Conditions:
ORAI1-related disorder. Also called: ORAI1-related condition.
Myopathy, tubular aggregate, 2 (TAM2). Identifiers: MedGen C4014557, MONDO:0014383, OMIM 615883.
Combined immunodeficiency due to ORAI1 deficiency. Also called: IMMUNODEFICIENCY 9. Identifiers: Orphanet 169090, Orphanet 317428, MedGen C2748568, MONDO:0013007, OMIM 612782.

Allele frequency attached by ClinVar (database versions not stated): TOPMed 0.00042; gnomAD exomes 0.00364; ExAC 0.00713; gnomAD 0.11074 and 0.11673.

Submissions (5):

Labcorp Genetics (formerly Invitae), Labcorp
Classification: Likely benign for Myopathy, tubular aggregate, 2; Combined immunodeficiency due to ORAI1 deficiency. Last evaluated: 2026-01-17. Review status: criteria provided, single submitter. Criteria: Invitae Variant Classification Sherloc (09022015). Collection method: clinical testing. Allele origin: germline.

Mayo Clinic Laboratories, Mayo Clinic
Classification: Likely benign. Last evaluated: 2025-12-03. Review status: criteria provided, single submitter. Criteria: ACMG Guidelines, 2015. Collection method: clinical testing. Allele origin: germline. Observed: 3 variant alleles.
Comment: BS1, BP4

Revvity Omics, Revvity
Classification: Uncertain significance. Last evaluated: 2023-04-26. Review status: criteria provided, single submitter. Criteria: ACMG Guidelines, 2015. Collection method: clinical testing. Allele origin: germline.

CeGaT Center for Human Genetics Tuebingen
Classification: Likely benign. Last evaluated: 2023-01-01. Review status: criteria provided, single submitter. Criteria: CeGaT Center For Human Genetics Tuebingen Variant Classification Criteria Version 2. Collection method: clinical testing. Allele origin: germline. Affected: yes. Observed: 1 variant allele.
Comment: ORAI1: BS1

PreventionGenetics, part of Exact Sciences
Classification: Likely benign for ORAI1-related condition. Last evaluated: 2020-05-11. Review status: no assertion criteria provided. Collection method: clinical testing. Allele origin: germline. Not counted in ClinVar's aggregate classification.
Comment: This variant is classified as likely benign based on ACMG/AMP sequence variant interpretation guidelines (Richards et al. 2015 PMID: 25741868, with internal and published modifications).

NM_032790.4(ORAI1):c.121G>A (p.Gly41Arg)

Genes: ORAI1 (ORAI calcium release-activated calcium modulator 1; plus strand), LOC130008987 (ATAC-STARR-seq lymphoblastoid silent region 4981; plus strand). Cytogenetic location: 12q24.31.
Variant type: single nucleotide variant.
Coding change: c.121G>A on transcript NM_032790.4 (MANE Select); coding-DNA position 121, G replaced by A.
Protein change: p.Gly41Arg; replaces glycine 41 with arginine.
Genome position (GRCh38, 1-based): chr12:121,626,863, G>A. VCF-style: chr12-121626863-G-A. GRCh37 (hg19) VCF-style: chr12-122064768-G-A.
Other names: p.Gly41Arg; short protein forms G41R.
Identifiers: ClinVar variation 784675 (VCV000784675.42), dbSNP rs782650611, ClinGen allele CA6837418.